The following is an entry in ClinVar:

ClinVar aggregate classification (germline): Uncertain significance (1 of 4 stars; one submission).

Allele frequency attached by ClinVar (database versions not stated): gnomAD exomes below 0.00001.
gnomAD v4.1: 1 of 1,613,062 alleles (0.000062%); highest among the groups gnomAD compares: South Asian, 0.0011%; no homozygotes.

Submission:

Labcorp Genetics (formerly Invitae), Labcorp
Classification: Uncertain significance. Last evaluated: 2022-07-05. Review status: criteria provided, single submitter. Criteria: Invitae Variant Classification Sherloc (09022015). Collection method: clinical testing. Allele origin: germline.
Comment: In summary, the available evidence is currently insufficient to determine the role of this variant in disease. Therefore, it has been classified as a Variant of Uncertain Significance. Algorithms developed to predict the effect of missense changes on protein structure and function are either unavailable or do not agree on the potential impact of this missense change (SIFT: "Deleterious"; PolyPhen-2: "Not Available"; Align-GVGD: "Class C0"). ClinVar contains an entry for this variant (Variation ID: 1385839). This variant has not been reported in the literature in individuals affected with RIN2-related conditions. This variant is not present in population databases (gnomAD no frequency). This sequence change replaces valine, which is neutral and non-polar, with methionine, which is neutral and non-polar, at codon 809 of the RIN2 protein (p.Val809Met).

NM_018993.4(RIN2):c.2425G>A (p.Val809Met)

Gene: RIN2 (Ras and Rab interactor 2; plus strand). Cytogenetic location: 20p11.23.
Variant type: single nucleotide variant.
Coding change: c.2425G>A on transcript NM_018993.4 (MANE Select); coding-DNA position 2425, G replaced by A.
Protein change: p.Val809Met; replaces valine 809 with methionine.
Molecular consequence: missense variant.
Genome position (GRCh38, 1-based): chr20:20,000,673, G>A. VCF-style: chr20-20000673-G-A. GRCh37 (hg19) VCF-style: chr20-19981317-G-A.
Other names: c.2572G>A, p.Val858Met (NM_001242581.2); c.1807G>A, p.Val603Met (NM_001378238.1); short protein forms V858M, V603M, V809M.
Identifiers: ClinVar variation 1385839 (VCV001385839.6), dbSNP rs2146439431, ClinGen allele CA408367507.